The following is an entry in ClinVar:

ClinVar aggregate classification (germline): Uncertain significance (1 of 4 stars; one submission).

Conditions:
Hereditary cancer-predisposing syndrome. Also called: Hereditary neoplastic syndrome; Neoplastic Syndromes, Hereditary; Tumor predisposition; Hereditary Cancer Syndrome. Identifiers: Orphanet 140162, MedGen C0027672, MeSH D009386, MONDO:0015356.

Submission:

Ambry Genetics
Classification: Uncertain significance for Hereditary cancer-predisposing syndrome. Last evaluated: 2025-08-22. Review status: criteria provided, single submitter. Criteria: Ambry Variant Classification Scheme 2023. Collection method: clinical testing. Allele origin: germline.
Comment: The p.Q2032R variant (also known as c.6095A>G), located in coding exon 44 of the POLE gene, results from an A to G substitution at nucleotide position 6095. The glutamine at codon 2032 is replaced by arginine, an amino acid with highly similar properties. This amino acid position is conserved. In addition, the in silico prediction for this alteration is inconclusive. Based on the available evidence, the clinical significance of this variant remains unclear.

NM_006231.4(POLE):c.6095A>G (p.Gln2032Arg)

Gene: POLE (DNA polymerase epsilon, catalytic subunit; minus strand). Cytogenetic location: 12q24.33.
Variant type: single nucleotide variant.
Coding change: c.6095A>G on transcript NM_006231.4 (MANE Select); coding-DNA position 6095, A replaced by G.
Protein change: p.Gln2032Arg; replaces glutamine 2032 with arginine.
Molecular consequence: missense variant.
Genome position (GRCh38, 1-based): chr12:132,632,705, T>C on the plus strand (A>G on the coding strand, the complement: POLE is on the minus strand). VCF-style: chr12-132632705-T-C. GRCh37 (hg19) VCF-style: chr12-133209291-T-C.
Other names: short protein forms Q2032R.
Identifiers: ClinVar variation 4141219 (VCV004141219.1).